The following is an entry in ClinVar:

NM_004086.3(COCH):c.119A>G (p.Asp40Gly)

Genes: COCH (cochlin; plus strand), COCH-AS1 (COCH antisense RNA 1; minus strand). Cytogenetic location: 14q12.
Variant type: single nucleotide variant.
Coding change: c.119A>G on transcript NM_004086.3 (MANE Select); coding-DNA position 119, A replaced by G.
Protein change: p.Asp40Gly; replaces aspartic acid 40 with glycine.
Molecular consequence: missense variant.
Genome position (GRCh38, 1-based): chr14:30,877,608, A>G. VCF-style: chr14-30877608-A-G. GRCh37 (hg19) VCF-style: chr14-31346814-A-G.
Other names: c.119A>G, p.Asp40Gly (NM_001135058.2); c.314A>G, p.Asp105Gly (NM_001347720.2); short protein forms D40G, D105G.
Identifiers: ClinVar variation 4795515 (VCV004795515.1).

ClinVar aggregate classification (germline): Uncertain significance (1 of 4 stars; one submission).

Submission:

GeneDx
Classification: Uncertain significance. Last evaluated: 2025-08-12. Review status: criteria provided, single submitter. Criteria: GeneDx Variant Classification Process June 2021. Collection method: clinical testing. Allele origin: germline. Affected: yes.
Comment: Not observed at significant frequency in large population cohorts (gnomAD); In silico analysis supports that this missense variant has a deleterious effect on protein structure/function; Has not been previously published as pathogenic or benign to our knowledge